The following is an entry in ClinVar:

NM_002241.5(KCNJ10):c.*3250G>C

Gene: KCNJ10 (potassium inwardly rectifying channel subfamily J member 10; minus strand). Cytogenetic location: 1q23.2.
Variant type: single nucleotide variant.
Coding change: c.*3250G>C on transcript NM_002241.5 (MANE Select); 3250 bases downstream of the stop codon, G replaced by C.
Molecular consequence: 3 prime UTR variant.
Genome position (GRCh38, 1-based): chr1:160,038,143, C>G on the plus strand (G>C on the coding strand, the complement: KCNJ10 is on the minus strand). VCF-style: chr1-160038143-C-G. GRCh37 (hg19) VCF-style: chr1-160007933-C-G.
Identifiers: ClinVar variation 875237 (VCV000875237.4), dbSNP rs74855057, ClinGen allele CA31498299.

ClinVar aggregate classification (germline): Benign/Likely benign. Review status: criteria provided, single submitter (1 of 4 stars). 2 submissions from 1 submitter: Benign (1); Likely benign (1). Last evaluated 2018-01-13.

Conditions:
EAST syndrome (SESAMES). Also called: SEIZURES, SENSORINEURAL DEAFNESS, ATAXIA, IMPAIRED INTELLECTUAL DEVELOPMENT, AND ELECTROLYTE IMBALANCE. Identifiers: Orphanet 199343, MedGen C2748572, MONDO:0013005, OMIM 612780.
Autosomal recessive nonsyndromic hearing loss 4 (DFNB4). Also called: Deafness, autosomal recessive 4; NEUROSENSORY NONSYNDROMIC RECESSIVE DEAFNESS 4; FOXI1-Related Pendred Syndrome; KCNJ10-Related Pendred Syndrome; DEAFNESS, AUTOSOMAL RECESSIVE 4, WITH ENLARGED VESTIBULAR AQUEDUCT, DIGENIC; Nonsyndromic enlarged vestibular aqueduct (NSEVA). Identifiers: Orphanet 90636, MedGen C3538946, MONDO:0010933, OMIM 600791.

Allele frequency attached by ClinVar (database versions not stated): gnomAD 0.01592 and 0.01694; TOPMed 0.01895; 1000 Genomes Project 30x 0.01983; 1000 Genomes Project 0.01997.

Submissions (2):

Illumina Laboratory Services, Illumina
Classification: Benign for EAST syndrome. Last evaluated: 2018-01-13. Review status: criteria provided, single submitter. Criteria: ICSL Variant Classification Criteria 13 December 2019. Collection method: clinical testing. Allele origin: germline.
Comment: This variant was observed in the ICSL laboratory as part of a predisposition screen in an ostensibly healthy population. It had not been previously curated by ICSL or reported in the Human Gene Mutation Database (HGMD: prior to June 1st, 2018), and was therefore a candidate for classification through an automated scoring system. Utilizing variant allele frequency, disease prevalence and penetrance estimates, and inheritance mode, an automated score was calculated to assess if this variant is too frequent to cause the disease. Based on the score and internal cut-off values, a variant classified as benign is not then subjected to further curation. The score for this variant resulted in a classification of benign for this disease.

Illumina Laboratory Services, Illumina
Classification: Likely benign for Autosomal recessive nonsyndromic hearing loss 4. Last evaluated: 2018-01-13. Review status: criteria provided, single submitter. Criteria: ICSL Variant Classification Criteria 13 December 2019. Collection method: clinical testing. Allele origin: germline.
Comment: This variant was observed in the ICSL laboratory as part of a predisposition screen in an ostensibly healthy population. It had not been previously curated by ICSL or reported in the Human Gene Mutation Database (HGMD: prior to June 1st, 2018), and was therefore a candidate for classification through an automated scoring system. Utilizing variant allele frequency, disease prevalence and penetrance estimates, and inheritance mode, an automated score was calculated to assess if this variant is too frequent to cause the disease. Based on the score and internal cut-off values, a variant classified as likely benign is not then subjected to further curation. The score for this variant resulted in a classification of likely benign for this disease.